The following is an entry in ClinVar:

ClinVar aggregate classification (germline): Uncertain significance (0 of 4 stars; one submission).

Conditions:
KIDINS220-related disorder. Also called: KIDINS220-related condition.

gnomAD v4.1: 1 of 1,614,044 alleles (0.000062%); highest among the groups gnomAD compares: African/African-American, 0.0013%; no homozygotes.

Submission:

PreventionGenetics, part of Exact Sciences
Classification: Uncertain significance for KIDINS220-related condition. Last evaluated: 2023-11-27. Review status: no assertion criteria provided. Collection method: clinical testing. Allele origin: germline.
Comment: The KIDINS220 c.2072C>G variant is predicted to result in the amino acid substitution p.Ala691Gly. To our knowledge, this variant has not been reported in the literature or in a large population database, indicating this variant is rare. At this time, the clinical significance of this variant is uncertain due to the absence of conclusive functional and genetic evidence.

NM_020738.4(KIDINS220):c.2072C>G (p.Ala691Gly)

Gene: KIDINS220 (kinase D interacting substrate 220; minus strand). Cytogenetic location: 2p25.1.
Variant type: single nucleotide variant.
Coding change: c.2072C>G on transcript NM_020738.4 (MANE Select); coding-DNA position 2072, C replaced by G.
Protein change: p.Ala691Gly; replaces alanine 691 with glycine.
Molecular consequence: missense variant. On other transcripts: non-coding transcript variant (2).
Genome position (GRCh38, 1-based): chr2:8,785,898, G>C on the plus strand (C>G on the coding strand, the complement: KIDINS220 is on the minus strand). VCF-style: chr2-8785898-G-C. GRCh37 (hg19) VCF-style: chr2-8926028-G-C.
Other names: c.2075C>G, p.Ala692Gly (NM_001348729.2, NM_001348731.2, NM_001348734.2 and 3 more transcripts); c.2072C>G, p.Ala691Gly (NM_001348732.2, NM_001348735.2, NM_001348738.2 and 3 more transcripts); c.1946C>G, p.Ala649Gly (NM_001348736.2); short protein forms A649G, A691G, A692G.
Identifiers: ClinVar variation 3353555 (VCV003353555.1).
Genomic context (GRCh38, chr2:8,785,898, plus strand): 5'-CATGTACGACAGTTCAACACAAAGGCCAATCCCACTACAGATGCGATTGATATGAGGACA[G>C]CATTTACAGTCAGATGCTTTGGGTCAACTCTAAATATAGCCAGAAGAGTAATTCCAGATA-3'
Protein context (NP_065789.1, residues 681-701): RVDPKHLTVN[Ala691Gly]VLISIASVVG